The following is an entry in ClinVar:

ClinVar aggregate classification (germline): Likely benign. Review status: criteria provided, multiple submitters, no conflicts (2 of 4 stars). 3 submissions from 3 submitters: Likely benign (2). 1 of the submissions does not count toward it. Last evaluated 2025-11-17.

Conditions:
CCDC88A-related disorder. Also called: CCDC88A-related condition.

Allele frequency attached by ClinVar (database versions not stated): gnomAD exomes 0.00006 and 0.00015; ExAC 0.00022; 1000 Genomes Project 0.00040; 1000 Genomes Project 30x 0.00047; ESP Exome Variant Server 0.00054; gnomAD 0.00078 and 0.00087; TOPMed 0.00088.
gnomAD v4.1: 206 of 1,578,576 alleles (0.013%); highest among the groups gnomAD compares: African/African-American, 0.25%; 1 homozygote.

Submissions (3):

Labcorp Genetics (formerly Invitae), Labcorp
Classification: Likely benign. Last evaluated: 2025-11-17. Review status: criteria provided, single submitter. Criteria: Invitae Variant Classification Sherloc (09022015). Collection method: clinical testing. Allele origin: germline.

Breakthrough Genomics
Classification: Likely benign. Review status: criteria provided, single submitter. Criteria: ACMG Guidelines, 2015. Collection method: not provided. Allele origin: germline. Inheritance: Autosomal recessive inheritance. Affected: yes.

PreventionGenetics, part of Exact Sciences
Classification: Likely benign for CCDC88A-related condition. Last evaluated: 2022-05-06. Review status: no assertion criteria provided. Collection method: clinical testing. Allele origin: germline. Not counted in ClinVar's aggregate classification.
Comment: This variant is classified as likely benign based on ACMG/AMP sequence variant interpretation guidelines (Richards et al. 2015 PMID: 25741868, with internal and published modifications).

NM_001365480.1(CCDC88A):c.1534A>G (p.Asn512Asp)

Gene: CCDC88A (coiled-coil and HOOK domain protein 88A; minus strand). Cytogenetic location: 2p16.1.
Variant type: single nucleotide variant.
Coding change: c.1534A>G on transcript NM_001365480.1 (MANE Select); coding-DNA position 1534, A replaced by G.
Protein change: p.Asn512Asp; replaces asparagine 512 with aspartic acid.
Molecular consequence: missense variant.
Genome position (GRCh38, 1-based): chr2:55,336,803, T>C on the plus strand (A>G on the coding strand, the complement: CCDC88A is on the minus strand). VCF-style: chr2-55336803-T-C. GRCh37 (hg19) VCF-style: chr2-55563939-T-C.
Other names: c.1534A>G, p.Asn512Asp (NM_001135597.2, NM_001254943.2, NM_018084.5); short protein forms N512D.
Identifiers: ClinVar variation 756731 (VCV000756731.13), dbSNP rs145664496, ClinGen allele CA1666118.